The following is an entry in ClinVar:

ClinVar aggregate classification (germline): Benign/Likely benign. Review status: criteria provided, multiple submitters, no conflicts (2 of 4 stars). 24 submissions from 17 submitters: Benign (17); Likely benign (2). 5 of the submissions do not count toward it. Last evaluated 2026-02-03.

Conditions:
Cardiovascular phenotype. Identifiers: MedGen CN230736.
Dilated cardiomyopathy 1G (CMD1G). Identifiers: Orphanet 154, MedGen C1858763, MONDO:0011400, OMIM 604145.
Autosomal recessive limb-girdle muscular dystrophy type 2J (LGMDR10). Also called: Limb-girdle muscular dystrophy, type 2J; MUSCULAR DYSTROPHY, LIMB-GIRDLE, AUTOSOMAL RECESSIVE 10. Identifiers: Orphanet 140922, MedGen C1837342, MONDO:0012127, OMIM 608807.
Early-onset myopathy with fatal cardiomyopathy (CMYO5). Also called: CONGENITAL MYOPATHY 5 WITH CARDIOMYOPATHY; Salih Myopathy. Identifiers: Orphanet 289377, MedGen C2673677, MONDO:0012714, OMIM 611705. Disease mechanism: loss of function.
Myopathy, myofibrillar, 9, with early respiratory failure (MFM9). Also called: MYOPATHY, PROXIMAL, WITH EARLY RESPIRATORY MUSCLE INVOLVEMENT; Myopathy, distal, with early respiratory failure, autosomal dominant; Hereditary myopathy with early respiratory failure; EDSTROM MYOPATHY. Identifiers: Orphanet 178464, Orphanet 34521, MedGen C1863599, MONDO:0011362, OMIM 603689.
Tibial muscular dystrophy (TMD). Also called: Tibial muscular dystrophy, tardive; UDD MYOPATHY; Udd Distal Myopathy – Tibial Muscular Dystrophy. Identifiers: Orphanet 609, MedGen C1838244, MONDO:0010870, OMIM 600334.

Allele frequency attached by ClinVar (database versions not stated): gnomAD exomes 0.00118 and 0.00336; ExAC 0.00417; gnomAD 0.01223 and 0.01308; 1000 Genomes Project 0.01258; TOPMed 0.01363; ESP Exome Variant Server 0.01392; 1000 Genomes Project 30x 0.01405.
gnomAD v4.1: 3,653 of 1,614,098 alleles (0.23%); highest among the groups gnomAD compares: African/African-American, 4.1%; 70 homozygotes.

Submissions (24):

Labcorp Genetics (formerly Invitae), Labcorp
Classification: Benign for Dilated cardiomyopathy 1G; Autosomal recessive limb-girdle muscular dystrophy type 2J. Last evaluated: 2026-02-03. Review status: criteria provided, single submitter. Criteria: Invitae Variant Classification Sherloc (09022015). Collection method: clinical testing. Allele origin: germline.

Molecular Diagnostic Laboratory for Inherited Cardiovascular Disease, Montreal Heart Institute
Classification: Benign. Last evaluated: 2025-04-09. Review status: criteria provided, single submitter. Criteria: ACMG Guidelines, 2015. Collection method: clinical testing. Allele origin: germline. Affected: no.

ARUP Laboratories, Molecular Genetics and Genomics, ARUP Laboratories
Classification: Benign. Last evaluated: 2025-04-02. Review status: criteria provided, single submitter. Criteria: ARUP Molecular Germline Variant Investigation Process 2024. Collection method: clinical testing. Allele origin: germline.

Athena Diagnostics
Classification: Benign. Last evaluated: 2024-08-01. Review status: criteria provided, single submitter. Criteria: Athena Diagnostics Criteria. Collection method: clinical testing. Allele origin: unknown.

Mayo Clinic Laboratories, Mayo Clinic
Classification: Benign. Last evaluated: 2022-10-21. Review status: criteria provided, single submitter. Criteria: ACMG Guidelines, 2015. Collection method: clinical testing. Allele origin: germline. Observed: 25 variant alleles.

Genome-Nilou Lab
Classification: Benign for Autosomal recessive limb-girdle muscular dystrophy type 2J. Last evaluated: 2021-09-10. Review status: criteria provided, single submitter. Criteria: ACMG Guidelines, 2015. Collection method: clinical testing. Allele origin: germline. Affected: no.

Genome-Nilou Lab
Classification: Benign for Myopathy, myofibrillar, 9, with early respiratory failure. Last evaluated: 2021-09-10. Review status: criteria provided, single submitter. Criteria: ACMG Guidelines, 2015. Collection method: clinical testing. Allele origin: germline. Affected: no.

Genome-Nilou Lab
Classification: Benign for Early-onset myopathy with fatal cardiomyopathy. Last evaluated: 2021-09-10. Review status: criteria provided, single submitter. Criteria: ACMG Guidelines, 2015. Collection method: clinical testing. Allele origin: germline. Affected: no.

Genome-Nilou Lab
Classification: Benign for Tibial muscular dystrophy. Last evaluated: 2021-09-10. Review status: criteria provided, single submitter. Criteria: ACMG Guidelines, 2015. Collection method: clinical testing. Allele origin: germline. Affected: no.

Women's Health and Genetics/Laboratory Corporation of America, LabCorp
Classification: Benign. Last evaluated: 2019-08-19. Review status: criteria provided, single submitter. Criteria: LabCorp Variant Classification Summary - May 2015. Collection method: clinical testing. Allele origin: germline.

Illumina Laboratory Services, Illumina
Classification: Benign for Myopathy, myofibrillar, 9, with early respiratory failure. Last evaluated: 2018-01-13. Review status: criteria provided, single submitter. Criteria: ICSL Variant Classification Criteria 13 December 2019. Collection method: clinical testing. Allele origin: germline.
Comment: This variant was observed in the ICSL laboratory as part of a predisposition screen in an ostensibly healthy population. It had not been previously curated by ICSL or reported in the Human Gene Mutation Database (HGMD: prior to June 1st, 2018), and was therefore a candidate for classification through an automated scoring system. Utilizing variant allele frequency, disease prevalence and penetrance estimates, and inheritance mode, an automated score was calculated to assess if this variant is too frequent to cause the disease. Based on the score and internal cut-off values, a variant classified as benign is not then subjected to further curation. The score for this variant resulted in a classification of benign for this disease.

Illumina Laboratory Services, Illumina
Classification: Benign for Tibial muscular dystrophy. Last evaluated: 2018-01-13. Review status: criteria provided, single submitter. Criteria: ICSL Variant Classification Criteria 13 December 2019. Collection method: clinical testing. Allele origin: germline.
Comment: the same text as in the submission from Illumina Laboratory Services, Illumina above.

Illumina Laboratory Services, Illumina
Classification: Benign for Autosomal recessive limb-girdle muscular dystrophy type 2J. Last evaluated: 2018-01-13. Review status: criteria provided, single submitter. Criteria: ICSL Variant Classification Criteria 13 December 2019. Collection method: clinical testing. Allele origin: germline.
Comment: the same text as in the submission from Illumina Laboratory Services, Illumina above.

Illumina Laboratory Services, Illumina
Classification: Likely benign for Dilated cardiomyopathy 1G. Last evaluated: 2018-01-13. Review status: criteria provided, single submitter. Criteria: ICSL Variant Classification Criteria 13 December 2019. Collection method: clinical testing. Allele origin: germline.
Comment: This variant was observed in the ICSL laboratory as part of a predisposition screen in an ostensibly healthy population. It had not been previously curated by ICSL or reported in the Human Gene Mutation Database (HGMD: prior to June 1st, 2018), and was therefore a candidate for classification through an automated scoring system. Utilizing variant allele frequency, disease prevalence and penetrance estimates, and inheritance mode, an automated score was calculated to assess if this variant is too frequent to cause the disease. Based on the score and internal cut-off values, a variant classified as likely benign is not then subjected to further curation. The score for this variant resulted in a classification of likely benign for this disease.

Illumina Laboratory Services, Illumina
Classification: Benign for Early-onset myopathy with fatal cardiomyopathy. Last evaluated: 2018-01-13. Review status: criteria provided, single submitter. Criteria: ICSL Variant Classification Criteria 13 December 2019. Collection method: clinical testing. Allele origin: germline.
Comment: the same text as in the submission from Illumina Laboratory Services, Illumina above.

GeneDx
Classification: Benign. Last evaluated: 2014-03-14. Review status: criteria provided, single submitter. Criteria: GeneDx Variant Classification (06012015). Collection method: clinical testing. Allele origin: germline. Affected: yes.
Comment: This variant is considered likely benign or benign based on one or more of the following criteria: it is a conservative change, it occurs at a poorly conserved position in the protein, it is predicted to be benign by multiple in silico algorithms, and/or has population frequency not consistent with disease.

Ambry Genetics
Classification: Benign for Cardiovascular phenotype. Last evaluated: 2012-10-03. Review status: criteria provided, single submitter. Criteria: Ambry Autosomal Dominant and X-Linked criteria (10/2015). Collection method: clinical testing. Allele origin: germline. Observed: 1 variant allele.

Laboratory for Molecular Medicine, Mass General Brigham Personalized Medicine
Classification: Benign. Last evaluated: 2012-07-06. Review status: criteria provided, single submitter. Criteria: LMM Criteria. Collection method: clinical testing. Allele origin: germline. Observed: 16 variant alleles.
Comment: 4.1% (181/4406) of Afr Amer chrom from ESP

Breakthrough Genomics
Classification: Likely benign. Review status: criteria provided, single submitter. Criteria: ACMG Guidelines, 2015. Collection method: not provided. Allele origin: germline. Inheritance: Autosomal recessive inheritance. Affected: yes.

Clinical Genetics DNA and cytogenetics Diagnostics Lab, Erasmus MC, Erasmus Medical Center
Classification: Benign. Review status: no assertion criteria provided. Collection method: clinical testing. Allele origin: germline. Affected: yes. Study: VKGL Data-share Consensus. Not counted in ClinVar's aggregate classification.

Clinical Genetics, Academic Medical Center
Classification: Benign. Review status: no assertion criteria provided. Collection method: clinical testing. Allele origin: germline. Affected: yes. Study: VKGL Data-share Consensus. Not counted in ClinVar's aggregate classification.

Diagnostic Laboratory, Department of Genetics, University Medical Center Groningen
Classification: Likely benign. Review status: no assertion criteria provided. Collection method: clinical testing. Allele origin: germline. Affected: yes. Study: VKGL Data-share Consensus. Not counted in ClinVar's aggregate classification.

Genetic Services Laboratory, University of Chicago
Classification: Likely benign for AllHighlyPenetrant. Review status: no assertion criteria provided. Collection method: clinical testing. Allele origin: germline. Not counted in ClinVar's aggregate classification.
Comment: Likely benign based on allele frequency in 1000 Genomes Project or ESP global frequency and its presence in a patient with a rare or unrelated disease phenotype. NOT Sanger confirmed.

Laboratory of Diagnostic Genome Analysis, Leiden University Medical Center (LUMC)
Classification: Likely benign. Review status: no assertion criteria provided. Collection method: clinical testing. Allele origin: germline. Affected: yes. Study: VKGL Data-share Consensus. Not counted in ClinVar's aggregate classification.

NM_001267550.2(TTN):c.2949C>T (p.Ile983=)

Gene: TTN (titin; minus strand). Cytogenetic location: 2q31.2.
Variant type: single nucleotide variant.
Coding change: c.2949C>T on transcript NM_001267550.2 (MANE Select); coding-DNA position 2949, C replaced by T.
Protein change: p.Ile983=; no amino-acid change (isoleucine 983 retained).
Molecular consequence: synonymous variant.
Genome position (GRCh38, 1-based): chr2:178,782,957, G>A on the plus strand (C>T on the coding strand, the complement: TTN is on the minus strand). VCF-style: chr2-178782957-G-A. GRCh37 (hg19) VCF-style: chr2-179647684-G-A.
Other names: p.I983I:ATC>ATT; p.Ile983=; c.2811C>T, p.Ile937= (NM_003319.4, NM_133432.3, NM_133437.4); c.2949C>T, p.Ile983= (NM_133379.5, NM_001256850.1, NM_133378.4); c.2949C>T (NM_133379.4).
Identifiers: ClinVar variation 46885 (VCV000046885.50), dbSNP rs56310516, ClinGen allele CA283140.